The following is an entry in ClinVar:

NM_002890.3(RASA1):c.2691-3_2691-2insT

Genes: CCNH (cyclin H; minus strand), RASA1 (RAS p21 protein activator 1; plus strand). Cytogenetic location: 5q14.3.
Variant type: Insertion.
Coding change: c.2691-3_2691-2insT on transcript NM_002890.3 (MANE Select); 3 bases into the intron before coding-DNA position 2691 through the canonical splice acceptor site of the intron before coding-DNA position 2691, T inserted.
Molecular consequence: splice acceptor variant. On other transcripts: intron variant (1).
Genome position: GRCh38 VCF-style: chr5-87383710-C-CT. GRCh37 (hg19) VCF-style: chr5-86679527-C-CT.
Other names: c.2160-3_2160-2insT (NM_022650.3); c.933+11333_933+11334insA (NM_001364075.2).
Identifiers: ClinVar variation 4804630 (VCV004804630.1).

ClinVar aggregate classification (germline): Uncertain significance (1 of 4 stars; one submission).

Conditions:
Capillary malformation-arteriovenous malformation syndrome. Also called: Capillary malformation-arteriovenous malformation. Identifiers: Orphanet 137667, MedGen C1842180, MONDO:0012016.

Submission:

Labcorp Genetics (formerly Invitae), Labcorp
Classification: Uncertain significance for Capillary malformation-arteriovenous malformation syndrome. Last evaluated: 2025-08-13. Review status: criteria provided, single submitter. Criteria: Invitae Variant Classification Sherloc (09022015). Collection method: clinical testing. Allele origin: germline.
Comment: This sequence change falls in intron 20 of the RASA1 gene. It does not directly change the encoded amino acid sequence of the RASA1 protein. It affects a nucleotide within the consensus splice site. This variant is not present in population databases (gnomAD no frequency). This variant has not been reported in the literature in individuals affected with RASA1-related conditions. Variants that disrupt the consensus splice site are a relatively common cause of aberrant splicing (PMID: 17576681, 9536098). Algorithms developed to predict the effect of sequence changes on RNA splicing suggest that this variant is not likely to affect RNA splicing. In summary, the available evidence is currently insufficient to determine the role of this variant in disease. Therefore, it has been classified as a Variant of Uncertain Significance.

Literature cited by the submitters: PubMed 17576681; PubMed 9536098.